The following is an entry in ClinVar:

NM_001005242.3(PKP2):c.553C>T (p.Arg185Trp)

Gene: PKP2 (plakophilin 2; minus strand). Cytogenetic location: 12p11.21.
Variant type: single nucleotide variant.
Coding change: c.553C>T on transcript NM_001005242.3 (MANE Select); coding-DNA position 553, C replaced by T.
Protein change: p.Arg185Trp; replaces arginine 185 with tryptophan.
Molecular consequence: missense variant.
Genome position (GRCh38, 1-based): chr12:32,878,327, G>A on the plus strand (C>T on the coding strand, the complement: PKP2 is on the minus strand). VCF-style: chr12-32878327-G-A. GRCh37 (hg19) VCF-style: chr12-33031261-G-A.
Other names: c.553C>T, p.Arg185Trp (NM_004572.4); short protein forms R185W.
Identifiers: ClinVar variation 927098 (VCV000927098.16), dbSNP rs571569344, ClinGen allele CA037878.

ClinVar aggregate classification (germline): Uncertain significance. Review status: criteria provided, multiple submitters, no conflicts (2 of 4 stars). 6 submissions from 6 submitters: Uncertain significance (6). Last evaluated 2026-02-25.

Conditions:
Cardiovascular phenotype. Identifiers: MedGen CN230736.
Arrhythmogenic right ventricular cardiomyopathy (ARVD). Also called: Arrhythmogenic right ventricular dysplasia; Cardiomyopathy, ARVC; Arrhythmogenic cardiomyopathy; Arrhythmogenic Right Ventricular Cardiomyopathy (ARVC). Identifiers: Orphanet 247, MedGen C0349788, MeSH D019571, MONDO:0016587. Disease mechanism: loss of function. Inheritance: Various modes of inheritance.
Arrhythmogenic right ventricular dysplasia 9 (ARVD9). Also called: Arrhythmogenic Right Ventricular Dysplasia/Cardiomyopathy 9; ARRHYTHMOGENIC RIGHT VENTRICULAR DYSPLASIA, FAMILIAL, 9. Identifiers: MedGen C1836906, MONDO:0012180, OMIM 609040.
Cardiomyopathy (CMYO). Also called: Cardiomyopathies. Identifiers: Orphanet 167848, MedGen C0878544, MONDO:0004994, HP:0001638. Inheritance: Various modes of inheritance.

Allele frequency attached by ClinVar (database versions not stated): gnomAD 0.00001 and 0.00002; gnomAD exomes 0.00001; ExAC 0.00002; 1000 Genomes Project 30x 0.00016; 1000 Genomes Project 0.00020.
gnomAD v4.1: 16 of 1,612,500 alleles (0.00099%); highest among the groups gnomAD compares: Admixed American, 0.0017%; no homozygotes.

Submissions (7):

GeneDx
Classification: Uncertain significance. Last evaluated: 2026-02-25. Review status: criteria provided, single submitter. Criteria: GeneDx Variant Classification Process June 2021. Collection method: clinical testing. Allele origin: germline.
Comment: Not observed at significant frequency in large population cohorts (gnomAD); In silico analysis suggests that this missense variant does not alter protein structure/function; Has not been previously published as pathogenic or benign to our knowledge; In silico analysis suggests this variant may impact gene splicing. In the absence of RNA/functional studies, the actual effect of this sequence change is unknown.

Labcorp Genetics (formerly Invitae), Labcorp
Classification: Uncertain significance for Arrhythmogenic right ventricular dysplasia 9. Last evaluated: 2025-07-14. Review status: criteria provided, single submitter. Criteria: Invitae Variant Classification Sherloc (09022015). Collection method: clinical testing. Allele origin: germline.
Comment: This sequence change replaces arginine, which is basic and polar, with tryptophan, which is neutral and slightly polar, at codon 185 of the PKP2 protein (p.Arg185Trp). This variant is present in population databases (rs571569344, gnomAD 0.003%). This variant has not been reported in the literature in individuals affected with PKP2-related conditions. ClinVar contains an entry for this variant (Variation ID: 927098). An algorithm developed to predict the effect of missense changes on protein structure and function (PolyPhen-2) suggests that this variant is likely to be disruptive. Algorithms developed to predict the effect of sequence changes on RNA splicing suggest that this variant may create or strengthen a splice site. In summary, the available evidence is currently insufficient to determine the role of this variant in disease. Therefore, it has been classified as a Variant of Uncertain Significance.

Blueprint Genetics
Classification: Uncertain significance. Last evaluated: 2024-08-12. Review status: criteria provided, single submitter. Criteria: ACMG Guidelines, 2015. Collection method: clinical testing. Allele origin: germline.

Ambry Genetics
Classification: Uncertain significance for Cardiovascular phenotype. Last evaluated: 2024-05-19. Review status: criteria provided, single submitter. Criteria: Ambry Variant Classification Scheme 2023. Collection method: clinical testing. Allele origin: germline.
Comment: The p.R185W variant (also known as c.553C>T), located in coding exon 3 of the PKP2 gene, results from a C to T substitution at nucleotide position 553. The arginine at codon 185 is replaced by tryptophan, an amino acid with dissimilar properties. This amino acid position is conserved. In addition, the in silico prediction for this alteration is inconclusive. Based on the available evidence, the clinical significance of this variant remains unclear.

Color Diagnostics, LLC DBA Color Health
Classification: Uncertain significance for Cardiomyopathy. Last evaluated: 2024-03-07. Review status: criteria provided, single submitter. Criteria: ACMG Guidelines, 2015. Collection method: clinical testing. Allele origin: germline.
Comment: This missense variant replaces arginine with tryptophan at codon 185 of the PKP2 protein. Computational prediction is inconclusive regarding the impact of this variant on protein structure and function (internally defined REVEL score threshold 0.5 < inconclusive < 0.7, PMID: 27666373). Splice site prediction tools suggest that this variant may not impact RNA splicing. To our knowledge, functional studies have not been performed for this variant. This variant has not been reported in individuals affected with cardiovascular disorders in the literature. This variant has been identified in 3/250390 chromosomes in the general population by the Genome Aggregation Database (gnomAD). The available evidence is insufficient to determine the role of this variant in disease conclusively. Therefore, this variant is classified as a Variant of Uncertain Significance.

All of Us Research Program, National Institutes of Health
Classification: Uncertain significance for Arrhythmogenic right ventricular cardiomyopathy. Last evaluated: 2023-02-10. Review status: criteria provided, single submitter. Criteria: ACMG Guidelines, 2015. Collection method: clinical testing. Allele origin: germline. Inheritance: Autosomal dominant inheritance. Observed: 1 variant allele, 1 heterozygote.
Comment: This missense variant replaces arginine with tryptophan at codon 185 of the PKP2 protein. Computational prediction is inconclusive regarding the impact of this variant on protein structure and function (internally defined REVEL score threshold 0.5 < inconclusive < 0.7, PMID: 27666373). Splice site prediction tools suggest that this variant may not impact RNA splicing. To our knowledge, functional studies have not been performed for this variant. This variant has not been reported in individuals affected with cardiovascular disorders in the literature. This variant has been identified in 3/250390 chromosomes in the general population by the Genome Aggregation Database (gnomAD). The available evidence is insufficient to determine the role of this variant in disease conclusively. Therefore, this variant is classified as a Variant of Uncertain Significance.

This study involves interpretation of variants in research participants for the purpose of population health screening. Participant phenotype was not available at the time of variant classification. Additional details can be found in publication PMID: 35346344, PMCID: PMC8962531

Dr. Peter K. Rogan Lab, Western University
No classification provided (evidence only). Condition: Gastric cancer. Review status: no classification provided. Collection method: in vitro. Allele origin: not applicable. Functional consequence: retained intron. Not counted in ClinVar's aggregate classification.